The following is an entry in ClinVar:

ClinVar aggregate classification (germline): Pathogenic (1 of 4 stars; one submission).

Conditions:
Developmental and epileptic encephalopathy 94 (DEE94). Also called: CHD2-Related Neurodevelopmental Disorders; Epileptic encephalopathy, childhood-onset. Identifiers: Orphanet 1942, Orphanet 2382, MedGen C3809278, MONDO:0014150, OMIM 615369.

Submission:

Labcorp Genetics (formerly Invitae), Labcorp
Classification: Pathogenic for Developmental and epileptic encephalopathy 94. Last evaluated: 2022-03-15. Review status: criteria provided, single submitter. Criteria: Invitae Variant Classification Sherloc (09022015). Collection method: clinical testing. Allele origin: germline.
Comment: For these reasons, this variant has been classified as Pathogenic. This sequence change creates a premature translational stop signal (p.Gln549*) in the CHD2 gene. It is expected to result in an absent or disrupted protein product. Loss-of-function variants in CHD2 are known to be pathogenic (PMID: 23708187, 24207121). This variant is not present in population databases (gnomAD no frequency). This variant has not been reported in the literature in individuals affected with CHD2-related conditions. Algorithms developed to predict the effect of sequence changes on RNA splicing suggest that this variant may disrupt the consensus splice site.

Literature cited by the submitters: PubMed 23708187; PubMed 24207121.

NM_001271.4(CHD2):c.1645C>T (p.Gln549Ter)

Gene: CHD2 (chromodomain helicase DNA binding protein 2; plus strand). Cytogenetic location: 15q26.1.
Variant type: single nucleotide variant.
Coding change: c.1645C>T on transcript NM_001271.4 (MANE Select); coding-DNA position 1645, C replaced by T.
Protein change: p.Gln549Ter; replaces glutamine 549 with a stop codon.
Molecular consequence: nonsense.
Genome position (GRCh38, 1-based): chr15:92,953,499, C>T. VCF-style: chr15-92953499-C-T. GRCh37 (hg19) VCF-style: chr15-93496729-C-T.
Other names: short protein forms Q549*.
Identifiers: ClinVar variation 2112688 (VCV002112688.4), dbSNP rs1392359380, ClinGen allele CA393905193.